The following is an entry in ClinVar:

ClinVar aggregate classification (germline): Uncertain significance (1 of 4 stars; one submission).

gnomAD v4.1: 1 of 1,534,006 alleles (0.000065%); highest among the groups gnomAD compares: Non-Finnish European, 0.000087%; no homozygotes.

Submission:

Women's Health and Genetics/Laboratory Corporation of America, LabCorp
Classification: Uncertain significance. Last evaluated: 2026-05-19. Review status: criteria provided, single submitter. Criteria: LabCorp Variant Classification Summary - May 2015. Collection method: clinical testing. Allele origin: germline.
Comment: Variant summary: RYR1 c.12789G>C (p.Glu4263Asp) results in a conservative amino acid change in the encoded protein sequence. Algorithms developed to predict the effect of missense changes on protein structure and function all suggest that this variant is likely to be tolerated. The variant allele was found at a frequency of 7.3e-06 in 136342 control chromosomes. The available data on variant occurrences in the general population are insufficient to allow any conclusion about variant significance. To our knowledge, no occurrence of c.12789G>C in individuals affected with RYR1-related conditions and no experimental evidence demonstrating its impact on protein function have been reported. No submitters have cited clinical-significance assessments for this variant to ClinVar. Based on the evidence outlined above, the variant was classified as uncertain significance.

NM_000540.3(RYR1):c.12789G>C (p.Glu4263Asp)

Gene: RYR1 (ryanodine receptor 1; plus strand). Cytogenetic location: 19q13.2.
Variant type: single nucleotide variant.
Coding change: c.12789G>C on transcript NM_000540.3 (MANE Select); coding-DNA position 12789, G replaced by C.
Protein change: p.Glu4263Asp; replaces glutamic acid 4263 with aspartic acid.
Molecular consequence: missense variant.
Genome position (GRCh38, 1-based): chr19:38,565,123, G>C. VCF-style: chr19-38565123-G-C. GRCh37 (hg19) VCF-style: chr19-39055763-G-C.
Other names: c.12774G>C, p.Glu4258Asp (NM_001042723.2); short protein forms E4258D, E4263D.
Identifiers: ClinVar variation 4853785 (VCV004853785.1).